The following is an entry in ClinVar:

ClinVar aggregate classification (germline): Uncertain significance. Review status: criteria provided, multiple submitters, no conflicts (2 of 4 stars). 2 submissions from 2 submitters: Uncertain significance (2). Last evaluated 2024-11-24.

Conditions:
Inborn genetic diseases. Identifiers: MedGen C0950123, MeSH D030342.
Pierson syndrome. Also called: MICROCORIA-CONGENITAL NEPHROTIC SYNDROME. Identifiers: Orphanet 2670, MedGen C1836876, MONDO:0012184, OMIM 609049.
LAMB2-related infantile-onset nephrotic syndrome. Also called: NEPHROTIC SYNDROME, TYPE 5, WITHOUT OCULAR ABNORMALITIES; NEPHROTIC SYNDROME, TYPE 5, WITH OCULAR ABNORMALITIES; Nephrotic Syndrome, type 5. Identifiers: Orphanet 306507, MedGen C3280113, MONDO:0013621, OMIM 614199.

Allele frequency attached by ClinVar (database versions not stated): gnomAD exomes below 0.00001; ExAC 0.00001; TOPMed 0.00001; gnomAD 0.00002; 1000 Genomes Project 30x 0.00016; 1000 Genomes Project 0.00020.
gnomAD v4.1: 4 of 1,613,546 alleles (0.00025%); highest among the groups gnomAD compares: Admixed American, 0.005%; no homozygotes.

Submissions (2):

Ambry Genetics
Classification: Uncertain significance for Inborn genetic diseases. Last evaluated: 2024-11-24. Review status: criteria provided, single submitter. Criteria: Ambry Variant Classification Scheme 2023. Collection method: clinical testing. Allele origin: germline.

Labcorp Genetics (formerly Invitae), Labcorp
Classification: Uncertain significance for LAMB2-related infantile-onset nephrotic syndrome; Pierson syndrome. Last evaluated: 2024-01-02. Review status: criteria provided, single submitter. Criteria: Invitae Variant Classification Sherloc (09022015). Collection method: clinical testing. Allele origin: germline.
Comment: This sequence change replaces alanine, which is neutral and non-polar, with threonine, which is neutral and polar, at codon 166 of the LAMB2 protein (p.Ala166Thr). This variant is present in population databases (rs538636405, gnomAD 0.003%). This variant has not been reported in the literature in individuals affected with LAMB2-related conditions. ClinVar contains an entry for this variant (Variation ID: 2057653). An algorithm developed to predict the effect of missense changes on protein structure and function (PolyPhen-2) suggests that this variant is likely to be disruptive. In summary, the available evidence is currently insufficient to determine the role of this variant in disease. Therefore, it has been classified as a Variant of Uncertain Significance.

NM_002292.4(LAMB2):c.496G>A (p.Ala166Thr)

Gene: LAMB2 (laminin subunit beta 2; minus strand). Cytogenetic location: 3p21.31.
Variant type: single nucleotide variant.
Coding change: c.496G>A on transcript NM_002292.4 (MANE Select); coding-DNA position 496, G replaced by A.
Protein change: p.Ala166Thr; replaces alanine 166 with threonine.
Molecular consequence: missense variant.
Genome position (GRCh38, 1-based): chr3:49,131,687, C>T on the plus strand (G>A on the coding strand, the complement: LAMB2 is on the minus strand). VCF-style: chr3-49131687-C-T. GRCh37 (hg19) VCF-style: chr3-49169120-C-T.
Other names: c.496G>A (NM_002292.3); short protein forms A166T.
Identifiers: ClinVar variation 2057653 (VCV002057653.3), dbSNP rs538636405, ClinGen allele CA2394902.